The following is an entry in ClinVar:

NM_003047.5(SLC9A1):c.627C>T (p.Tyr209=)

Gene: SLC9A1 (solute carrier family 9 member A1; minus strand). Cytogenetic location: 1p36.11.
Variant type: single nucleotide variant.
Coding change: c.627C>T on transcript NM_003047.5 (MANE Select); coding-DNA position 627, C replaced by T.
Protein change: p.Tyr209=; no amino-acid change (tyrosine 209 retained).
Molecular consequence: synonymous variant.
Genome position (GRCh38, 1-based): chr1:27,114,012, G>A on the plus strand (C>T on the coding strand, the complement: SLC9A1 is on the minus strand). VCF-style: chr1-27114012-G-A. GRCh37 (hg19) VCF-style: chr1-27440503-G-A.
Identifiers: ClinVar variation 727572 (VCV000727572.13), dbSNP rs145675505, ClinGen allele CA711300.

ClinVar aggregate classification (germline): Likely benign. Review status: criteria provided, multiple submitters, no conflicts (2 of 4 stars). 2 submissions from 2 submitters: Likely benign (2). Last evaluated 2026-02-01.

Allele frequency attached by ClinVar (database versions not stated): gnomAD exomes 0.00006 and 0.00012; ESP Exome Variant Server 0.00015; ExAC 0.00017; TOPMed 0.00026; gnomAD 0.00029 and 0.00031; 1000 Genomes Project 30x 0.00187; 1000 Genomes Project 0.00240.
gnomAD v4.1: 147 of 1,614,152 alleles (0.0091%); highest among the groups gnomAD compares: African/African-American, 0.14%; no homozygotes.

Submissions (2):

CeGaT Center for Human Genetics Tuebingen
Classification: Likely benign. Last evaluated: 2026-02-01. Review status: criteria provided, single submitter. Criteria: CeGaT Center For Human Genetics Tuebingen Variant Classification Criteria Version 2. Collection method: clinical testing. Allele origin: germline. Affected: yes. Observed: 1 variant allele.
Comment: SLC9A1: BP4, BP7

Labcorp Genetics (formerly Invitae), Labcorp
Classification: Likely benign. Last evaluated: 2024-10-25. Review status: criteria provided, single submitter. Criteria: Invitae Variant Classification Sherloc (09022015). Collection method: clinical testing. Allele origin: germline.